The following is an entry in ClinVar:

NM_001166108.2(PALLD):c.2345A>G (p.Gln782Arg)

Genes: CBR4 (carbonyl reductase 4; minus strand), PALLD (palladin, cytoskeletal associated protein; plus strand). Cytogenetic location: 4q32.3.
Variant type: single nucleotide variant.
Coding change: c.2345A>G on transcript NM_001166108.2 (MANE Select); coding-DNA position 2345, A replaced by G.
Protein change: p.Gln782Arg; replaces glutamine 782 with arginine.
Molecular consequence: missense variant.
Genome position (GRCh38, 1-based): chr4:168,898,587, A>G. VCF-style: chr4-168898587-A-G. GRCh37 (hg19) VCF-style: chr4-169819738-A-G.
Other names: c.1148A>G, p.Gln383Arg (NM_001166109.2); c.833A>G, p.Gln278Arg (NM_001166110.2); c.173A>G, p.Gln58Arg (NM_001367567.1, NM_001367569.1); c.224A>G, p.Gln75Arg (NM_001367568.1, NM_001367570.1); c.2294A>G, p.Gln765Arg (NM_016081.4); short protein forms Q383R, Q765R, Q782R, Q278R, Q58R, Q75R.
Identifiers: ClinVar variation 3304092 (VCV003304092.1).

ClinVar aggregate classification (germline): Uncertain significance (1 of 4 stars; one submission).

gnomAD v4.1: 1 of 1,613,620 alleles (0.000062%); highest among the groups gnomAD compares: Non-Finnish European, 0.000085%; no homozygotes.

Submission:

Ambry Genetics
Classification: Uncertain significance. Last evaluated: 2024-05-19. Review status: criteria provided, single submitter. Criteria: Ambry Variant Classification Scheme 2023. Collection method: clinical testing. Allele origin: germline.
Comment: The p.Q765R variant (also known as c.2294A>G), located in coding exon 12 of the PALLD gene, results from an A to G substitution at nucleotide position 2294. The glutamine at codon 765 is replaced by arginine, an amino acid with highly similar properties. This amino acid position is conserved. In addition, this alteration is predicted to be tolerated by in silico analysis. Based on the available evidence, the clinical significance of this variant remains unclear.